The following is an entry in ClinVar:

NM_000271.5(NPC1):c.3611_3614del (p.Leu1204fs)

Gene: NPC1 (NPC intracellular cholesterol transporter 1; minus strand). Cytogenetic location: 18q11.2.
Variant type: Deletion.
Coding change: c.3611_3614del on transcript NM_000271.5 (MANE Select); coding-DNA positions 3611 to 3614, 4 bases deleted (TTAC; older notation c.3611_3614delTTAC).
Protein change: p.Leu1204fs; shifts the reading frame from leucine 1204.
Molecular consequence: frameshift variant.
Genome position (GRCh38, 1-based): chr18:23,533,495-23,533,498, GTAA deleted on the plus strand (TTAC on the coding strand, the reverse complement: NPC1 is on the minus strand); deleting any 4 consecutive bases within chr18:23,533,495-23,533,500 gives the same sequence; the c. name uses the placement nearest the transcript's 3' end. VCF-style (leftmost placement, unchanged base first): chr18-23533494-TGTAA-T. GRCh37 (hg19) VCF-style: chr18-21113458-TGTAA-T.
Other names: c.3611_3614delTTAC (NM_000271.4); short protein forms L1204fs.
Identifiers: ClinVar variation 2979 (VCV000002979.10), dbSNP rs786200879, ClinGen allele CA252504.
Genomic context (GRCh38, chr18:23,533,494, plus strand): 5'-GTAGAATATCTGGAAAATTTGAGATTTGGCAAAAGCCAACACCACAATCCCTCCAAATTT[TGTAA>T]GTGTGATTCCACTGAACACCTAAAAGAAGAGATACTGTGTTAGAAACCACTTTTACCAAC-3'

ClinVar aggregate classification (germline): Pathogenic/Likely pathogenic. Review status: criteria provided, multiple submitters, no conflicts (2 of 4 stars). 5 submissions from 5 submitters: Pathogenic (2); Likely pathogenic (2). 1 of the submissions does not count toward it. Last evaluated 2025-10-15.

Conditions:
NPC1-related disorder. Also called: NPC1-related condition.
Niemann-Pick disease, type C (NPC). Identifiers: Orphanet 646, MedGen C0220756, MONDO:0018982.
Niemann-Pick disease, type C1. Also called: NEUROVISCERAL STORAGE DISEASE WITH VERTICAL SUPRANUCLEAR OPHTHALMOPLEGIA; NIEMANN-PICK DISEASE WITH CHOLESTEROL ESTERIFICATION BLOCK; NIEMANN-PICK DISEASE WITHOUT SPHINGOMYELINASE DEFICIENCY; NIEMANN-PICK DISEASE, CHRONIC NEURONOPATHIC FORM; NIEMANN-PICK DISEASE, VARIANT TYPE C1. Identifiers: Orphanet 646, MedGen C3179455, MONDO:0009757, OMIM 257220.

Submissions (5):

Labcorp Genetics (formerly Invitae), Labcorp
Classification: Pathogenic for Niemann-Pick disease, type C1. Last evaluated: 2025-10-15. Review status: criteria provided, single submitter. Criteria: Invitae Variant Classification Sherloc (09022015). Collection method: clinical testing. Allele origin: germline.
Comment: This sequence change creates a premature translational stop signal (p.Leu1204Glnfs*37) in the NPC1 gene. While this is not anticipated to result in nonsense mediated decay, it is expected to disrupt the last 75 amino acid(s) of the NPC1 protein. This variant is present in population databases (rs786200879, gnomAD 0.009%). This premature translational stop signal has been observed in individual(s) with Niemann–Pick type C (PMID: 12554680). ClinVar contains an entry for this variant (Variation ID: 2979). Algorithms developed to predict the effect of variants on gene product structure and function are not available or were not evaluated for this variant. Experimental studies have shown that this premature translational stop signal affects NPC1 function (PMID: 12554680). This variant disrupts a region of the NPC1 protein in which other variant(s) (p.Leu1248Valfs*3) have been determined to be pathogenic (PMID: 10521290, 19744920). This suggests that this is a clinically significant region of the protein, and that variants that disrupt it are likely to be disease-causing. For these reasons, this variant has been classified as Pathogenic.

Women's Health and Genetics/Laboratory Corporation of America, LabCorp
Classification: Pathogenic for Niemann-Pick disease, type C. Last evaluated: 2023-09-01. Review status: criteria provided, single submitter. Criteria: LabCorp Variant Classification Summary - May 2015. Collection method: clinical testing. Allele origin: germline.
Comment: Variant summary: NPC1 c.3611_3614delTTAC (p.Leu1204GlnfsX37) results in a premature termination codon, predicted to cause a truncation of the encoded protein or absence of the protein due to nonsense mediated decay, which are commonly known mechanisms for disease. The variant allele was found at a frequency of 1.2e-05 in 251450 control chromosomes (gnomAD). c.3611_3614delTTAC has been reported in the literature in individuals affected with Niemann-Pick Disease Type C (Blom_2003, Park_2003, Reunert_2015). These data indicate that the variant is likely to be associated with disease. At least one publication reports experimental evidence evaluating an impact on protein function and this variant resulted in an unstable NPC1 protein and presumably does not contribute significantly to the NPC1 immunoreactivity of the patient cells (Blom_2003). The following publications have been ascertained in the context of this evaluation (PMID: 12554680, 12955717, 26981555, 26338816, 25764212). One submitter has cited clinical-significance assessments for this variant to ClinVar after 2014 and has classified the variant as pathogenic. Based on the evidence outlined above, the variant was classified as pathogenic.

PreventionGenetics, part of Exact Sciences
Classification: Likely pathogenic for NPC1-related condition. Last evaluated: 2022-10-24. Review status: criteria provided, single submitter. Criteria: ACMG Guidelines, 2015. Collection method: clinical testing. Allele origin: germline.
Comment: The NPC1 c.3611_3614delTTAC variant is predicted to result in a frameshift and premature protein termination (p.Leu1204Glnfs*37). This variant, along with two other variants in NPC1, was reported in an individual with an infantile form of Niemann-Pick disease, type C (Blom et al. 2003. PubMed ID: 12554680). Additional functional analyses show that this variant impacts protein function (Blom et al. 2003. PubMed ID: 12554680). This variant is reported in 0.0092% of alleles in individuals of European (Finnish) descent in gnomAD. Frameshift variants in NPC1 are expected to be pathogenic. This variant is interpreted as likely pathogenic.

Blueprint Genetics
Classification: Likely pathogenic for NPC1-related disorders. Last evaluated: 2022-02-22. Review status: criteria provided, single submitter. Criteria: ACMG Guidelines, 2015. Collection method: clinical testing. Allele origin: germline. Affected: yes. Observed: 1 variant allele.

OMIM
Classification: Pathogenic for NIEMANN-PICK DISEASE, TYPE C1. Last evaluated: 2003-02-01. Review status: no assertion criteria provided. Collection method: literature only. Allele origin: germline. Not counted in ClinVar's aggregate classification.

Literature cited by the submitters: PubMed 12554680 (cited by 3 submitters); PubMed 10521290 (cited by Labcorp Genetics (formerly Invitae), Labcorp); PubMed 19744920 (cited by Labcorp Genetics (formerly Invitae), Labcorp); PubMed 25764212 (cited by Women's Health and Genetics/Laboratory Corporation of America, LabCorp); PubMed 12955717 (cited by Women's Health and Genetics/Laboratory Corporation of America, LabCorp); PubMed 26981555 (cited by Women's Health and Genetics/Laboratory Corporation of America, LabCorp); PubMed 26338816 (cited by Women's Health and Genetics/Laboratory Corporation of America, LabCorp).